The following is an entry in ClinVar:

NM_004972.4(JAK2):c.931G>A (p.Glu311Lys)

Genes: INSL6 (insulin like 6; minus strand), JAK2 (Janus kinase 2; plus strand). Cytogenetic location: 9p24.1.
Variant type: single nucleotide variant.
Coding change: c.931G>A on transcript NM_004972.4 (MANE Select); coding-DNA position 931, G replaced by A.
Protein change: p.Glu311Lys; replaces glutamic acid 311 with lysine.
Molecular consequence: missense variant. On other transcripts: non-coding transcript variant (2), intron variant (2).
Genome position (GRCh38, 1-based): chr9:5,054,879, G>A. VCF-style: chr9-5054879-G-A. GRCh37 (hg19) VCF-style: chr9-5054879-G-A.
Other names: c.931G>A, p.Glu311Lys (NM_001322194.2, NM_001322195.2, NM_001322196.2); c.484G>A, p.Glu162Lys (NM_001322204.2); c.-280+90G>A (NM_001322198.2, NM_001322199.2); short protein forms E162K, E311K.
Identifiers: ClinVar variation 1338070 (VCV001338070.6), dbSNP rs1245776198, ClinGen allele CA372820722.

ClinVar aggregate classification (germline): Uncertain significance. Review status: criteria provided, multiple submitters, no conflicts (2 of 4 stars). 2 submissions from 2 submitters: Uncertain significance (2). Last evaluated 2025-02-19.

Submissions (2):

Labcorp Genetics (formerly Invitae), Labcorp
Classification: Uncertain significance. Last evaluated: 2025-02-19. Review status: criteria provided, single submitter. Criteria: Invitae Variant Classification Sherloc (09022015). Collection method: clinical testing. Allele origin: germline.
Comment: This sequence change replaces glutamic acid, which is acidic and polar, with lysine, which is basic and polar, at codon 311 of the JAK2 protein (p.Glu311Lys). This variant is not present in population databases (gnomAD no frequency). This variant has not been reported in the literature in individuals affected with JAK2-related conditions. ClinVar contains an entry for this variant (Variation ID: 1338070). Invitae Evidence Modeling of protein sequence and biophysical properties (such as structural, functional, and spatial information, amino acid conservation, physicochemical variation, residue mobility, and thermodynamic stability) indicates that this missense variant is not expected to disrupt JAK2 protein function with a negative predictive value of 80%. In summary, the available evidence is currently insufficient to determine the role of this variant in disease. Therefore, it has been classified as a Variant of Uncertain Significance.

Genetic Services Laboratory, University of Chicago
Classification: Uncertain significance. Last evaluated: 2021-09-17. Review status: criteria provided, single submitter. Criteria: ACMG Guidelines, 2015. Collection method: clinical testing. Allele origin: germline. Affected: no.
Comment: DNA sequence analysis of the JAK2 gene demonstrated a sequence change, c.931G>A, in exon 7 that results in an amino acid change, p.Glu311Lys. This sequence change does not appear to have been previously described in individuals with JAK2-related disorders. This sequence change is absent in the gnomAD population database. The p.Glu311Lys change affects a moderately conserved amino acid residue located in a domain of the JAK2 protein that is known to be functional. The p.Glu311Lys substitution appears to be benign using several in-silico pathogenicity prediction tools (SIFT, PolyPhen2, Align GVGD, REVEL). Due to the lack of sufficient evidence, the clinical significance of the p.Glu311Lys change remains unknown at this time.